The following is an entry in ClinVar:

ClinVar aggregate classification (germline): Conflicting classifications of pathogenicity. Review status: criteria provided, conflicting classifications (1 of 4 stars). 7 submissions from 7 submitters: Uncertain significance (5); Likely benign (1). 1 of the submissions does not count toward it. Last evaluated 2025-07-16.

Conditions:
Inborn genetic diseases. Identifiers: MedGen C0950123, MeSH D030342.
Anophthalmia/microphthalmia-esophageal atresia syndrome (MCOPS3). Also called: SOX2 Disorder; AEG SYNDROME; MICROPHTHALMIA AND ESOPHAGEAL ATRESIA SYNDROME. Identifiers: Orphanet 77298, MedGen C1859773, MONDO:0008799, OMIM 206900.
OPTIC NERVE HYPOPLASIA AND ABNORMALITIES OF THE CENTRAL NERVOUS SYSTEM. Identifiers: MedGen C1859774, OMIM 206900.

Allele frequency attached by ClinVar (database versions not stated): ExAC 0.00006; gnomAD exomes 0.00008; gnomAD 0.00013 and 0.00014; TOPMed 0.00014.

Submissions (7):

Women's Health and Genetics/Laboratory Corporation of America, LabCorp
Classification: Uncertain significance. Last evaluated: 2025-07-16. Review status: criteria provided, single submitter. Criteria: LabCorp Variant Classification Summary - May 2015. Collection method: clinical testing. Allele origin: germline.
Comment: Variant summary: SOX2 c.571G>A (p.Ala191Thr) results in a non-conservative amino acid change in the encoded protein sequence. Algorithms developed to predict the effect of missense changes on protein structure and function are either unavailable or do not agree on the potential impact of this missense change. The variant allele was found at a frequency of 7.7e-05 in 245476 control chromosomes. This frequency is not significantly higher than estimated for a pathogenic variant in SOX2 causing Anophthalmia/microphthalmia-Esophageal Atresia Syndrome, allowing no conclusion about variant significance. c.571G>A has been observed in individual(s) affected with Anophthalmia/microphthalmia-Esophageal Atresia Syndrome (Kelberman_2006). These data do not allow any conclusion about variant significance. At least one publication reports experimental evidence evaluating an impact on protein function. These results showed no damaging effect of this variant (Kelberman_2006, Zhao_2012, Schaefer_2024). The following publications have been ascertained in the context of this evaluation (PMID: 16932809, 22421044, 39368083). ClinVar contains an entry for this variant (Variation ID: 12826). Based on the evidence outlined above, the variant was classified as uncertain significance.

GeneDx
Classification: Uncertain significance. Last evaluated: 2025-04-21. Review status: criteria provided, single submitter. Criteria: GeneDx Variant Classification Process June 2021. Collection method: clinical testing. Allele origin: germline. Affected: yes.
Comment: Reported in an individual with congenital hypothalamic-pituitary disorder in published literature; however, the variant was also identified an unaffected parent (PMID: 16932809); In silico analysis indicates that this missense variant does not alter protein structure/function; This variant is associated with the following publications: (PMID: 22421044, 19921648, 36808136, 35885948, 16932809)

Blueprint Genetics
Classification: Likely benign. Last evaluated: 2023-11-28. Review status: criteria provided, single submitter. Criteria: ACMG Guidelines, 2015. Collection method: clinical testing. Allele origin: germline.

Labcorp Genetics (formerly Invitae), Labcorp
Classification: Uncertain significance for Anophthalmia/microphthalmia-esophageal atresia syndrome. Last evaluated: 2023-07-21. Review status: criteria provided, single submitter. Criteria: Invitae Variant Classification Sherloc (09022015). Collection method: clinical testing. Allele origin: germline.
Comment: This missense change has been observed in individual(s) with SOX2-related conditions (PMID: 16932809). This sequence change replaces alanine, which is neutral and non-polar, with threonine, which is neutral and polar, at codon 191 of the SOX2 protein (p.Ala191Thr). This variant is present in population databases (rs104893808, gnomAD 0.02%). ClinVar contains an entry for this variant (Variation ID: 12826). Advanced modeling of protein sequence and biophysical properties (such as structural, functional, and spatial information, amino acid conservation, physicochemical variation, residue mobility, and thermodynamic stability) performed at Invitae indicates that this missense variant is not expected to disrupt SOX2 protein function. Experimental studies have shown that this missense change does not substantially affect SOX2 function (PMID: 16932809). In summary, the available evidence is currently insufficient to determine the role of this variant in disease. Therefore, it has been classified as a Variant of Uncertain Significance.

Department of Pathology and Laboratory Medicine, Sinai Health System
Classification: Uncertain significance for Anophthalmia/microphthalmia-esophageal atresia syndrome. Last evaluated: 2023-05-26. Review status: criteria provided, single submitter. Criteria: ACMG Guidelines, 2015. Collection method: research. Allele origin: germline.

Ambry Genetics
Classification: Uncertain significance for Inborn genetic diseases. Last evaluated: 2016-10-18. Review status: criteria provided, single submitter. Criteria: Ambry exome assertion method (8-5-2015). Collection method: clinical testing. Allele origin: germline. Affected: yes. Observed: 1 variant allele.

OMIM
Classification: Pathogenic for OPTIC NERVE HYPOPLASIA AND ABNORMALITIES OF THE CENTRAL NERVOUS SYSTEM. Last evaluated: 2006-09-01. Review status: no assertion criteria provided. Collection method: literature only. Allele origin: germline. Not counted in ClinVar's aggregate classification.

Literature cited by the submitters: PubMed 16932809 (cited by 4 submitters); PubMed 39368083 (cited by Women's Health and Genetics/Laboratory Corporation of America, LabCorp); PubMed 22421044 (cited by Women's Health and Genetics/Laboratory Corporation of America, LabCorp and Ambry Genetics).

NM_003106.4(SOX2):c.571G>A (p.Ala191Thr)

Genes: SOX2 (SRY-box transcription factor 2; plus strand), SOX2-OT (SOX2 overlapping transcript; plus strand). Cytogenetic location: 3q26.33.
Variant type: single nucleotide variant.
Coding change: c.571G>A on transcript NM_003106.4 (MANE Select); coding-DNA position 571, G replaced by A.
Protein change: p.Ala191Thr; replaces alanine 191 with threonine.
Molecular consequence: missense variant.
Genome position (GRCh38, 1-based): chr3:181,712,931, G>A. VCF-style: chr3-181712931-G-A. GRCh37 (hg19) VCF-style: chr3-181430719-G-A.
Other names: short protein forms A191T.
Identifiers: ClinVar variation 12826 (VCV000012826.12), dbSNP rs104893808, ClinGen allele CA122731.